The following is an entry in ClinVar:

ClinVar aggregate classification (germline): Uncertain significance. Review status: criteria provided, multiple submitters, no conflicts (2 of 4 stars). 2 submissions from 2 submitters: Uncertain significance (2). Last evaluated 2025-08-09.

Conditions:
Myasthenic syndrome, congenital, 22 (CMS22). Also called: PREPL DEFICIENCY. Identifiers: MedGen C4479088, MONDO:0044299, OMIM 616224.
Inborn genetic diseases. Identifiers: MedGen C0950123, MeSH D030342.

Allele frequency attached by ClinVar (database versions not stated): gnomAD 0.00001; TOPMed 0.00002; gnomAD exomes 0.00003 and 0.00005; ExAC 0.00007.

Submissions (2):

Ambry Genetics
Classification: Uncertain significance for Inborn genetic diseases. Last evaluated: 2025-08-09. Review status: criteria provided, single submitter. Criteria: Ambry Variant Classification Scheme 2023. Collection method: clinical testing. Allele origin: germline.

Labcorp Genetics (formerly Invitae), Labcorp
Classification: Uncertain significance for Myasthenic syndrome, congenital, 22. Last evaluated: 2024-10-15. Review status: criteria provided, single submitter. Criteria: Invitae Variant Classification Sherloc (09022015). Collection method: clinical testing. Allele origin: germline.
Comment: This sequence change replaces proline, which is neutral and non-polar, with threonine, which is neutral and polar, at codon 85 of the PREPL protein (p.Pro85Thr). This variant is present in population databases (rs747135582, gnomAD 0.01%). This variant has not been reported in the literature in individuals affected with PREPL-related conditions. ClinVar contains an entry for this variant (Variation ID: 1017760). An algorithm developed to predict the effect of missense changes on protein structure and function (PolyPhen-2) suggests that this variant is likely to be tolerated. In summary, the available evidence is currently insufficient to determine the role of this variant in disease. Therefore, it has been classified as a Variant of Uncertain Significance.

NM_001171613.2(PREPL):c.-15C>A

Gene: PREPL (prolyl endopeptidase like; minus strand). Cytogenetic location: 2p21.
Variant type: single nucleotide variant.
Coding change: c.-15C>A on transcript NM_001171613.2 (MANE Select); 15 bases upstream of the start codon, C replaced by A.
Molecular consequence: 5 prime UTR variant. On other transcripts: missense variant (7).
Genome position (GRCh38, 1-based): chr2:44,346,357, G>T on the plus strand (C>A on the coding strand, the complement: PREPL is on the minus strand). VCF-style: chr2-44346357-G-T. GRCh37 (hg19) VCF-style: chr2-44573496-G-T.
Other names: c.253C>A, p.Pro85Thr (NM_001042385.2, NM_001042386.2, NM_001171603.1 and 4 more transcripts); c.-15C>A (NM_001171617.1, NM_001374277.1); short protein forms P85T.
Identifiers: ClinVar variation 1017760 (VCV001017760.7), dbSNP rs747135582, ClinGen allele CA1641677.